The following is an entry in ClinVar:

NM_001291303.3(FAT4):c.992C>T (p.Pro331Leu)

Gene: FAT4 (FAT atypical cadherin 4; plus strand). Cytogenetic location: 4q28.1.
Variant type: single nucleotide variant.
Coding change: c.992C>T on transcript NM_001291303.3 (MANE Select); coding-DNA position 992, C replaced by T.
Protein change: p.Pro331Leu; replaces proline 331 with leucine.
Molecular consequence: missense variant.
Genome position (GRCh38, 1-based): chr4:125,317,403, C>T. VCF-style: chr4-125317403-C-T. GRCh37 (hg19) VCF-style: chr4-126238558-C-T.
Other names: c.992C>T, p.Pro331Leu (NM_001291285.3, NM_024582.6); short protein forms P331L.
Identifiers: ClinVar variation 2101674 (VCV002101674.4), dbSNP rs2530424685, ClinGen allele CA358116970.

ClinVar aggregate classification (germline): Uncertain significance (1 of 4 stars; one submission).

Allele frequency attached by ClinVar (database versions not stated): gnomAD exomes 0.00001.

Submission:

Labcorp Genetics (formerly Invitae), Labcorp
Classification: Uncertain significance. Last evaluated: 2022-02-22. Review status: criteria provided, single submitter. Criteria: Invitae Variant Classification Sherloc (09022015). Collection method: clinical testing. Allele origin: germline.
Comment: This variant is not present in population databases (gnomAD no frequency). In summary, the available evidence is currently insufficient to determine the role of this variant in disease. Therefore, it has been classified as a Variant of Uncertain Significance. Advanced modeling of protein sequence and biophysical properties (such as structural, functional, and spatial information, amino acid conservation, physicochemical variation, residue mobility, and thermodynamic stability) performed at Invitae indicates that this missense variant is not expected to disrupt FAT4 protein function. This variant has not been reported in the literature in individuals affected with FAT4-related conditions. This sequence change replaces proline, which is neutral and non-polar, with leucine, which is neutral and non-polar, at codon 331 of the FAT4 protein (p.Pro331Leu).